The following is an entry in ClinVar:

ClinVar aggregate classification (germline): Uncertain significance (1 of 4 stars; one submission).

Submission:

GeneDx
Classification: Uncertain significance. Last evaluated: 2026-04-08. Review status: criteria provided, single submitter. Criteria: GeneDx Variant Classification Process June 2021. Collection method: clinical testing. Allele origin: germline.
Comment: Not observed at significant frequency in large population cohorts (gnomAD); In silico analysis supports that this missense variant has a deleterious effect on protein structure/function; Has not been previously published as pathogenic or benign to our knowledge

NM_022124.6(CDH23):c.5326A>T (p.Asn1776Tyr)

Gene: CDH23 (cadherin related 23; plus strand). Cytogenetic location: 10q22.1.
Variant type: single nucleotide variant.
Coding change: c.5326A>T on transcript NM_022124.6 (MANE Select); coding-DNA position 5326, A replaced by T.
Protein change: p.Asn1776Tyr; replaces asparagine 1776 with tyrosine.
Molecular consequence: missense variant.
Genome position (GRCh38, 1-based): chr10:71,779,405, A>T. VCF-style: chr10-71779405-A-T. GRCh37 (hg19) VCF-style: chr10-73539162-A-T.
Other names: short protein forms N1776Y.
Identifiers: ClinVar variation 5036993 (VCV005036993.1).